The following is an entry in ClinVar:

NM_001031679.3(MSRB3):c.-132C>A

Gene: MSRB3 (methionine sulfoxide reductase B3; plus strand). Cytogenetic location: 12q14.3.
Variant type: single nucleotide variant.
Coding change: c.-132C>A on transcript NM_001031679.3 (MANE Select); 132 bases upstream of the start codon, C replaced by A.
Molecular consequence: 5 prime UTR variant. On other transcripts: missense variant (1).
Genome position (GRCh38, 1-based): chr12:65,278,785, C>A. VCF-style: chr12-65278785-C-A. GRCh37 (hg19) VCF-style: chr12-65672565-C-A.
Other names: c.-296C>A (NM_001193460.2); c.17C>A, p.Thr6Asn (NM_198080.4); short protein forms T6N.
Identifiers: ClinVar variation 3676530 (VCV003676530.2).

ClinVar aggregate classification (germline): Uncertain significance (1 of 4 stars; one submission).

gnomAD v4.1: 1 of 1,573,812 alleles (0.000064%); highest among the groups gnomAD compares: East Asian, 0.0023%; no homozygotes.

Submission:

Labcorp Genetics (formerly Invitae), Labcorp
Classification: Uncertain significance. Last evaluated: 2024-04-07. Review status: criteria provided, single submitter. Criteria: Invitae Variant Classification Sherloc (09022015). Collection method: clinical testing. Allele origin: germline.
Comment: This sequence change replaces threonine, which is neutral and polar, with asparagine, which is neutral and polar, at codon 6 of the MSRB3 protein (p.Thr6Asn). The frequency data for this variant in the population databases is considered unreliable, as metrics indicate poor data quality at this position in the gnomAD database. This variant has not been reported in the literature in individuals affected with MSRB3-related conditions. An algorithm developed to predict the effect of missense changes on protein structure and function (PolyPhen-2) suggests that this variant is likely to be tolerated. In summary, the available evidence is currently insufficient to determine the role of this variant in disease. Therefore, it has been classified as a Variant of Uncertain Significance.